The following is an entry in ClinVar:

ClinVar aggregate classification (germline): Uncertain significance (1 of 4 stars; one submission).

Allele frequency attached by ClinVar (database versions not stated): ExAC 0.00002; gnomAD exomes 0.00002; TOPMed 0.00004; gnomAD 0.00005; ESP Exome Variant Server 0.00008.
gnomAD v4.1: 40 of 1,610,250 alleles (0.0025%); highest among the groups gnomAD compares: East Asian, 0.0045%; no homozygotes.

Submission:

Labcorp Genetics (formerly Invitae), Labcorp
Classification: Uncertain significance. Last evaluated: 2024-03-12. Review status: criteria provided, single submitter. Criteria: Invitae Variant Classification Sherloc (09022015). Collection method: clinical testing. Allele origin: germline.
Comment: This sequence change replaces valine, which is neutral and non-polar, with isoleucine, which is neutral and non-polar, at codon 6 of the ROBO1 protein (p.Val6Ile). This variant is present in population databases (rs376621654, gnomAD 0.003%). This variant has not been reported in the literature in individuals affected with ROBO1-related conditions. Advanced modeling of protein sequence and biophysical properties (such as structural, functional, and spatial information, amino acid conservation, physicochemical variation, residue mobility, and thermodynamic stability) performed at Invitae indicates that this missense variant is not expected to disrupt ROBO1 protein function with a negative predictive value of 95%. In summary, the available evidence is currently insufficient to determine the role of this variant in disease. Therefore, it has been classified as a Variant of Uncertain Significance.

NM_002941.4(ROBO1):c.16G>A (p.Val6Ile)

Gene: ROBO1 (roundabout guidance receptor 1; minus strand). Cytogenetic location: 3p12.3.
Variant type: single nucleotide variant.
Coding change: c.16G>A on transcript NM_002941.4 (MANE Select); coding-DNA position 16, G replaced by A.
Protein change: p.Val6Ile; replaces valine 6 with isoleucine.
Molecular consequence: missense variant.
Genome position (GRCh38, 1-based): chr3:79,589,896, C>T on the plus strand (G>A on the coding strand, the complement: ROBO1 is on the minus strand). VCF-style: chr3-79589896-C-T. GRCh37 (hg19) VCF-style: chr3-79639046-C-T.
Other names: short protein forms V6I.
Identifiers: ClinVar variation 2895392 (VCV002895392.3), dbSNP rs376621654, ClinGen allele CA2499431.
Genomic context (GRCh38, chr3:79,589,896, plus strand): 5'-GGGCCAGAAACAGGTGATTTGGGGATAAGCTGAGGAGTGATATCATGACCAAAAAAGGAA[C>T]ATGTTTCCATTTCATCTTTGTCCCTTCCTTGCATTACAACCAGCCAGTGACAGACAATGT-3'
Protein context (NP_002932.1, residues 1-16): MKWKH[Val6Ile]PFLVMISLLS